The following is an entry in ClinVar:

ClinVar aggregate classification (germline): Uncertain significance (1 of 4 stars; one submission).

Conditions:
Inborn genetic diseases. Identifiers: MedGen C0950123, MeSH D030342.

Submission:

Ambry Genetics
Classification: Uncertain significance for Inborn genetic diseases. Last evaluated: 2026-08-29. Review status: criteria provided, single submitter. Criteria: Ambry Variant Classification Scheme 2023. Collection method: clinical testing. Allele origin: germline.
Comment: The p.P1477T variant (also known as c.4429C>A), located in coding exon 1 of the SAMD9 gene, results from a C to A substitution at nucleotide position 4429. The proline at codon 1477 is replaced by threonine, an amino acid with highly similar properties. This amino acid position is conserved. In addition, this alteration is predicted to be tolerated by in silico analysis. Based on the available evidence, the clinical significance of this variant remains unclear.

NM_017654.4(SAMD9):c.4429C>A (p.Pro1477Thr)

Gene: SAMD9 (sterile alpha motif domain containing 9; minus strand). Cytogenetic location: 7q21.2.
Variant type: single nucleotide variant.
Coding change: c.4429C>A on transcript NM_017654.4 (MANE Select); coding-DNA position 4429, C replaced by A.
Protein change: p.Pro1477Thr; replaces proline 1477 with threonine.
Molecular consequence: missense variant.
Genome position (GRCh38, 1-based): chr7:93,101,669, G>T on the plus strand (C>A on the coding strand, the complement: SAMD9 is on the minus strand). VCF-style: chr7-93101669-G-T. GRCh37 (hg19) VCF-style: chr7-92730982-G-T.
Other names: c.4429C>A, p.Pro1477Thr (NM_001193307.2); short protein forms P1477T.
Identifiers: ClinVar variation 5028810 (VCV005028810.1).
Genomic context (GRCh38, chr7:93,101,669, plus strand): 5'-TTCCTTTGTGAACAAGTCTTTCCAGTCTTTTACCTTTTCCAAGAAAGAAATATGCAATTG[G>T]TTGCTTTGTACGATGCATATGTTTATATTGCCCCTTGAAAGAATTTTTTAGTGCTTGAGC-3'
Protein context (NP_060124.2, residues 1467-1487): QYKHMHRTKQ[Pro1477Thr]IAYFFLGKGK